The following is an entry in ClinVar:

ClinVar aggregate classification (germline): Uncertain significance (1 of 4 stars; one submission).

Allele frequency attached by ClinVar (database versions not stated): TOPMed 0.00001; ExAC 0.00002.
gnomAD v4.1: 37 of 1,599,106 alleles (0.0023%); highest among the groups gnomAD compares: Non-Finnish European, 0.0028%; no homozygotes.

Submission:

Labcorp Genetics (formerly Invitae), Labcorp
Classification: Uncertain significance. Last evaluated: 2022-05-17. Review status: criteria provided, single submitter. Criteria: Invitae Variant Classification Sherloc (09022015). Collection method: clinical testing. Allele origin: germline.
Comment: This sequence change replaces alanine, which is neutral and non-polar, with valine, which is neutral and non-polar, at codon 1304 of the C2CD3 protein (p.Ala1304Val). This variant is present in population databases (rs778996305, gnomAD 0.004%). This variant has not been reported in the literature in individuals affected with C2CD3-related conditions. Algorithms developed to predict the effect of missense changes on protein structure and function output the following: SIFT: "Tolerated"; PolyPhen-2: "Benign"; Align-GVGD: "Class C0". The valine amino acid residue is found in multiple mammalian species, which suggests that this missense change does not adversely affect protein function. Algorithms developed to predict the effect of sequence changes on RNA splicing suggest that this variant may create or strengthen a splice site. In summary, the available evidence is currently insufficient to determine the role of this variant in disease. Therefore, it has been classified as a Variant of Uncertain Significance.

NM_001286577.2(C2CD3):c.3911C>T (p.Ala1304Val)

Gene: C2CD3 (C2 domain containing 3 centriole elongation regulator; minus strand). Cytogenetic location: 11q13.4.
Variant type: single nucleotide variant.
Coding change: c.3911C>T on transcript NM_001286577.2 (MANE Select); coding-DNA position 3911, C replaced by T.
Protein change: p.Ala1304Val; replaces alanine 1304 with valine.
Molecular consequence: missense variant.
Genome position (GRCh38, 1-based): chr11:74,084,970, G>A on the plus strand (C>T on the coding strand, the complement: C2CD3 is on the minus strand). VCF-style: chr11-74084970-G-A. GRCh37 (hg19) VCF-style: chr11-73796015-G-A.
Other names: c.3911C>T, p.Ala1304Val (NM_015531.6); short protein forms A1304V.
Identifiers: ClinVar variation 2165496 (VCV002165496.4), dbSNP rs778996305, ClinGen allele CA6182264.